The following is an entry in ClinVar:

ClinVar aggregate classification (germline): Uncertain significance. Review status: criteria provided, multiple submitters, no conflicts (2 of 4 stars). 2 submissions from 2 submitters: Uncertain significance (2). Last evaluated 2023-04-22.

Allele frequency attached by ClinVar (database versions not stated): gnomAD 0.00001.
gnomAD v4.1: 1 of 1,613,898 alleles (0.000062%); highest among the groups gnomAD compares: African/African-American, 0.0013%; no homozygotes.

Submissions (2):

Labcorp Genetics (formerly Invitae), Labcorp
Classification: Uncertain significance. Last evaluated: 2023-04-22. Review status: criteria provided, single submitter. Criteria: Invitae Variant Classification Sherloc (09022015). Collection method: clinical testing. Allele origin: germline.
Comment: Advanced modeling of protein sequence and biophysical properties (such as structural, functional, and spatial information, amino acid conservation, physicochemical variation, residue mobility, and thermodynamic stability) has been performed at Invitae for this missense variant, however the output from this modeling did not meet the statistical confidence thresholds required to predict the impact of this variant on SCN3A protein function. In summary, the available evidence is currently insufficient to determine the role of this variant in disease. Therefore, it has been classified as a Variant of Uncertain Significance. ClinVar contains an entry for this variant (Variation ID: 1309236). This variant has not been reported in the literature in individuals affected with SCN3A-related conditions. This variant is not present in population databases (gnomAD no frequency). This sequence change replaces valine, which is neutral and non-polar, with glycine, which is neutral and non-polar, at codon 1329 of the SCN3A protein (p.Val1329Gly).

GeneDx
Classification: Uncertain significance. Last evaluated: 2019-10-14. Review status: criteria provided, single submitter. Criteria: GeneDx Variant Classification Process June 2021. Collection method: clinical testing. Allele origin: germline. Affected: yes.
Comment: Not observed In large population cohorts (Lek et al., 2016); In silico analysis, which includes protein predictors and evolutionary conservation, supports a deleterious effect; Has not been previously published as pathogenic or benign to our knowledge

NM_006922.4(SCN3A):c.3986T>G (p.Val1329Gly)

Gene: SCN3A (sodium voltage-gated channel alpha subunit 3; minus strand). Cytogenetic location: 2q24.3.
Variant type: single nucleotide variant.
Coding change: c.3986T>G on transcript NM_006922.4 (MANE Select); coding-DNA position 3986, T replaced by G.
Protein change: p.Val1329Gly; replaces valine 1329 with glycine.
Molecular consequence: missense variant.
Genome position (GRCh38, 1-based): chr2:165,097,505, A>C on the plus strand (T>G on the coding strand, the complement: SCN3A is on the minus strand). VCF-style: chr2-165097505-A-C. GRCh37 (hg19) VCF-style: chr2-165954015-A-C.
Other names: c.3839T>G, p.Val1280Gly (NM_001081676.2, NM_001081677.2); short protein forms V1280G, V1329G.
Identifiers: ClinVar variation 1309236 (VCV001309236.5), dbSNP rs1685414246, ClinGen allele CA349026038.